The following is an entry in ClinVar:

NM_018089.3(ANKZF1):c.2155C>T (p.Arg719Cys)

Gene: ANKZF1 (ankyrin repeat and zinc finger peptidyl tRNA hydrolase 1; plus strand). Cytogenetic location: 2q35.
Variant type: single nucleotide variant.
Coding change: c.2155C>T on transcript NM_018089.3 (MANE Select); coding-DNA position 2155, C replaced by T.
Protein change: p.Arg719Cys; replaces arginine 719 with cysteine.
Molecular consequence: missense variant.
Genome position (GRCh38, 1-based): chr2:219,236,419, C>T. VCF-style: chr2-219236419-C-T. GRCh37 (hg19) VCF-style: chr2-220101141-C-T.
Other names: c.2155C>T, p.Arg719Cys (NM_001042410.2); c.1525C>T, p.Arg509Cys (NM_001282792.2); short protein forms R509C, R719C.
Identifiers: ClinVar variation 3021981 (VCV003021981.3), dbSNP rs372021800, ClinGen allele CA2121332.

ClinVar aggregate classification (germline): Uncertain significance (1 of 4 stars; one submission).

Allele frequency attached by ClinVar (database versions not stated): ESP Exome Variant Server 0.00008.
gnomAD v4.1: 6 of 1,610,356 alleles (0.00037%); highest among the groups gnomAD compares: South Asian, 0.0033%; no homozygotes.

Submission:

Labcorp Genetics (formerly Invitae), Labcorp
Classification: Uncertain significance. Last evaluated: 2023-06-16. Review status: criteria provided, single submitter. Criteria: Invitae Variant Classification Sherloc (09022015). Collection method: clinical testing. Allele origin: germline.
Comment: In summary, the available evidence is currently insufficient to determine the role of this variant in disease. Therefore, it has been classified as a Variant of Uncertain Significance. Algorithms developed to predict the effect of missense changes on protein structure and function output the following: SIFT: "Not Available"; PolyPhen-2: "Benign"; Align-GVGD: "Not Available". The cysteine amino acid residue is found in multiple mammalian species, which suggests that this missense change does not adversely affect protein function. This variant has not been reported in the literature in individuals affected with ANKZF1-related conditions. This variant is present in population databases (rs372021800, gnomAD 0.01%). This sequence change replaces arginine, which is basic and polar, with cysteine, which is neutral and slightly polar, at codon 719 of the ANKZF1 protein (p.Arg719Cys).